The following is an entry in ClinVar:

NM_000701.8(ATP1A1):c.1196A>G (p.Glu399Gly)

Gene: ATP1A1 (ATPase Na+/K+ transporting subunit alpha 1; plus strand). Cytogenetic location: 1p13.1.
Variant type: single nucleotide variant.
Coding change: c.1196A>G on transcript NM_000701.8 (MANE Select); coding-DNA position 1196, A replaced by G.
Protein change: p.Glu399Gly; replaces glutamic acid 399 with glycine.
Molecular consequence: missense variant.
Genome position (GRCh38, 1-based): chr1:116,390,385, A>G. VCF-style: chr1-116390385-A-G. GRCh37 (hg19) VCF-style: chr1-116933007-A-G.
Other names: c.1196A>G, p.Glu399Gly (NM_001160233.2); c.1103A>G, p.Glu368Gly (NM_001160234.2); short protein forms E399G, E368G.
Identifiers: ClinVar variation 2813821 (VCV002813821.3), dbSNP rs2525838677, ClinGen allele CA341844653.

ClinVar aggregate classification (germline): Uncertain significance (1 of 4 stars; one submission).

Submission:

Labcorp Genetics (formerly Invitae), Labcorp
Classification: Uncertain significance. Last evaluated: 2023-02-13. Review status: criteria provided, single submitter. Criteria: Invitae Variant Classification Sherloc (09022015). Collection method: clinical testing. Allele origin: germline.
Comment: This sequence change replaces glutamic acid, which is acidic and polar, with glycine, which is neutral and non-polar, at codon 399 of the ATP1A1 protein (p.Glu399Gly). This variant is not present in population databases (gnomAD no frequency). This variant has not been reported in the literature in individuals affected with ATP1A1-related conditions. Advanced modeling of protein sequence and biophysical properties (such as structural, functional, and spatial information, amino acid conservation, physicochemical variation, residue mobility, and thermodynamic stability) performed at Invitae indicates that this missense variant is not expected to disrupt ATP1A1 protein function. In summary, the available evidence is currently insufficient to determine the role of this variant in disease. Therefore, it has been classified as a Variant of Uncertain Significance.